The following is an entry in ClinVar:

NM_001083961.2(WDR62):c.4021G>A (p.Gly1341Ser)

Gene: WDR62 (WD repeat domain 62; plus strand). Cytogenetic location: 19q13.12.
Variant type: single nucleotide variant.
Coding change: c.4021G>A on transcript NM_001083961.2 (MANE Select); coding-DNA position 4021, G replaced by A.
Protein change: p.Gly1341Ser; replaces glycine 1341 with serine.
Molecular consequence: missense variant.
Genome position (GRCh38, 1-based): chr19:36,103,849, G>A. VCF-style: chr19-36103849-G-A. GRCh37 (hg19) VCF-style: chr19-36594751-G-A.
Other names: c.4006G>A, p.Gly1336Ser (NM_001411145.1, NM_173636.5); c.3772G>A, p.Gly1258Ser (NM_001411146.1); c.3670G>A, p.Gly1224Ser (NM_001411147.1); short protein forms G1258S, G1336S, G1341S, G1224S.
Identifiers: ClinVar variation 2191169 (VCV002191169.2), dbSNP rs200685905, ClinGen allele CA9396446.

ClinVar aggregate classification (germline): Uncertain significance. Review status: criteria provided, multiple submitters, no conflicts (2 of 4 stars). 2 submissions from 2 submitters: Uncertain significance (2). Last evaluated 2022-05-04.

Conditions:
Inborn genetic diseases. Identifiers: MedGen C0950123, MeSH D030342.

Allele frequency attached by ClinVar (database versions not stated): ExAC 0.00001; TOPMed 0.00001; gnomAD 0.00003; gnomAD exomes 0.00005; 1000 Genomes Project 30x 0.00016; 1000 Genomes Project 0.00020.
gnomAD v4.1: 77 of 1,604,404 alleles (0.0048%); highest among the groups gnomAD compares: East Asian, 0.013%; no homozygotes.

Submissions (2):

Labcorp Genetics (formerly Invitae), Labcorp
Classification: Uncertain significance. Last evaluated: 2022-05-04. Review status: criteria provided, single submitter. Criteria: Invitae Variant Classification Sherloc (09022015). Collection method: clinical testing. Allele origin: germline.
Comment: This sequence change replaces glycine, which is neutral and non-polar, with serine, which is neutral and polar, at codon 1341 of the WDR62 protein (p.Gly1341Ser). This variant is present in population databases (rs200685905, gnomAD 0.02%). This variant has not been reported in the literature in individuals affected with WDR62-related conditions. Algorithms developed to predict the effect of missense changes on protein structure and function output the following: SIFT: "Tolerated"; PolyPhen-2: "Benign"; Align-GVGD: "Class C0". The serine amino acid residue is found in multiple mammalian species, which suggests that this missense change does not adversely affect protein function. In summary, the available evidence is currently insufficient to determine the role of this variant in disease. Therefore, it has been classified as a Variant of Uncertain Significance.

Ambry Genetics
Classification: Uncertain significance for Inborn genetic diseases. Last evaluated: 2021-07-06. Review status: criteria provided, single submitter. Criteria: Ambry Variant Classification Scheme 2023. Collection method: clinical testing. Allele origin: germline.